The following is an entry in ClinVar:

NM_003000.3(SDHB):c.18_21delinsACTT (p.Ala6_Leu7=)

Gene: SDHB (succinate dehydrogenase complex iron sulfur subunit B; minus strand). Cytogenetic location: 1p36.13.
Variant type: Indel.
Coding change: c.18_21delinsACTT on transcript NM_003000.3 (MANE Select); coding-DNA positions 18 to 21, CCTC replaced by ACTT.
Protein change: p.Ala6_Leu7=.
Molecular consequence: synonymous variant.
Genome position (GRCh38, 1-based): chr1:17,053,999-17,054,002, GAGG replaced by AAGT on the plus strand (CCTC replaced by ACTT on the coding strand, the reverse complement: SDHB is on the minus strand). VCF-style: chr1-17053999-GAGG-AAGT. GRCh37 (hg19) VCF-style: chr1-17380494-GAGG-AAGT.
Other names: c.18_21delinsACTT, p.Ala6_Leu7= (NM_001407361.1).
Identifiers: ClinVar variation 3904360 (VCV003904360.1).
Genomic context (GRCh38, chr1:17,053,999, plus strand): 5'-AGGACTCACCTGCAGGCAGGCTCCGCCAAGGGTTGTGGCCGGCAACCGGCGCCTCAAGGA[GAGG>AAGT]GCGACCACCGCCGCCATCTTGGCTCCTGACGTCAGCCCCACCCCTTAACCCCGAGGTCGC-3'

ClinVar aggregate classification (germline): Benign (1 of 4 stars; one submission).

Conditions:
Pheochromocytoma/paraganglioma syndrome 4. Also called: CAROTID BODY TUMORS AND MULTIPLE EXTRAADRENAL PHEOCHROMOCYTOMAS; PARAGANGLIOMA, FAMILIAL MALIGNANT; PARAGANGLIOMAS, HEREDITARY EXTRAADRENAL; PHEOCHROMOCYTOMA, FAMILIAL EXTRAADRENAL; Paragangliomas 4; SDHB-Related Hereditary Paraganglioma-Pheochromocytoma Syndrome (Paragangliomas 4). Identifiers: Orphanet 29072, MedGen C1861848, MONDO:0007273, OMIM 115310.

Submission:

Myriad Genetics, Inc.
Classification: Benign for Pheochromocytoma/paraganglioma syndrome 4. Last evaluated: 2025-03-12. Review status: criteria provided, single submitter. Criteria: Myriad Autosomal Dominant, Autosomal Recessive and X-Linked Classification Criteria (2023). Collection method: clinical testing. Allele origin: unknown.
Comment: This variant is considered benign. This variant is a silent/synonymous amino acid change and it is not expected to impact splicing.